The following is an entry in ClinVar:

NM_000041.4(APOE):c.700G>A (p.Ala234Thr)

Gene: APOE (apolipoprotein E; plus strand). Cytogenetic location: 19q13.32.
Variant type: single nucleotide variant.
Coding change: c.700G>A on transcript NM_000041.4 (MANE Select); coding-DNA position 700, G replaced by A.
Protein change: p.Ala234Thr; replaces alanine 234 with threonine.
Molecular consequence: missense variant.
Genome position (GRCh38, 1-based): chr19:44,908,996, G>A. VCF-style: chr19-44908996-G-A. GRCh37 (hg19) VCF-style: chr19-45412253-G-A.
Other names: c.778G>A, p.Ala260Thr (NM_001302688.2); c.700G>A, p.Ala234Thr (NM_001302689.2, NM_001302690.2, NM_001302691.2); short protein forms A260T, A234T.
Identifiers: ClinVar variation 3308514 (VCV003308514.1).

ClinVar aggregate classification (germline): Uncertain significance (1 of 4 stars; one submission).

Conditions:
Cardiovascular phenotype. Identifiers: MedGen CN230736.

gnomAD v4.1: 4 of 1,534,104 alleles (0.00026%); highest among the groups gnomAD compares: South Asian, 0.0012%; no homozygotes.

Submission:

Ambry Genetics
Classification: Uncertain significance for Cardiovascular phenotype. Last evaluated: 2024-04-04. Review status: criteria provided, single submitter. Criteria: Ambry Variant Classification Scheme 2023. Collection method: clinical testing. Allele origin: germline.
Comment: The p.A234T variant (also known as c.700G>A), located in coding exon 3 of the APOE gene, results from a G to A substitution at nucleotide position 700. The alanine at codon 234 is replaced by threonine, an amino acid with similar properties. This amino acid position is conserved. In addition, this alteration is predicted to be tolerated by in silico analysis. Based on the available evidence, the clinical significance of this variant remains unclear.